The following is an entry in ClinVar:

NM_182914.3(SYNE2):c.521A>G (p.Lys174Arg)

Gene: SYNE2 (spectrin repeat containing nuclear envelope protein 2; plus strand). Cytogenetic location: 14q23.2.
Variant type: single nucleotide variant.
Coding change: c.521A>G on transcript NM_182914.3 (MANE Select); coding-DNA position 521, A replaced by G.
Protein change: p.Lys174Arg; replaces lysine 174 with arginine.
Molecular consequence: missense variant.
Genome position (GRCh38, 1-based): chr14:63,949,937, A>G. VCF-style: chr14-63949937-A-G. GRCh37 (hg19) VCF-style: chr14-64416655-A-G.
Other names: c.521A>G, p.Lys174Arg (NM_015180.6); short protein forms K174R.
Identifiers: ClinVar variation 212345 (VCV000212345.17), dbSNP rs139238702, ClinGen allele CA207018.

ClinVar aggregate classification (germline): Conflicting classifications of pathogenicity. Review status: criteria provided, conflicting classifications (1 of 4 stars). 5 submissions from 5 submitters: Uncertain significance (2); Likely benign (3). Last evaluated 2026-04-05.

Conditions:
SYNE2-related disorder. Also called: SYNE2-related condition.
Emery-Dreifuss muscular dystrophy 5, autosomal dominant (EDMD5). Also called: EMERY-DREIFUSS MUSCULAR DYSTROPHY 5. Identifiers: Orphanet 261, MedGen C2751805, MONDO:0013072, OMIM 612999.

Allele frequency attached by ClinVar (database versions not stated): gnomAD exomes 0.00005 and 0.00012; ExAC 0.00013; ESP Exome Variant Server 0.00024; gnomAD 0.00046 and 0.00048; TOPMed 0.00057; 1000 Genomes Project 0.00060; 1000 Genomes Project 30x 0.00062.

Submissions (5):

PreventionGenetics, part of Exact Sciences
Classification: Likely benign for SYNE2-related condition. Last evaluated: 2026-04-05. Review status: criteria provided, single submitter. Criteria: ACMG Guidelines, 2015. Collection method: clinical testing. Allele origin: germline.
Comment: This variant is classified as likely benign based on ACMG/AMP sequence variant interpretation guidelines (Richards et al. 2015 PMID: 25741868, with internal and published modifications).

Labcorp Genetics (formerly Invitae), Labcorp
Classification: Likely benign for Emery-Dreifuss muscular dystrophy 5, autosomal dominant. Last evaluated: 2026-01-16. Review status: criteria provided, single submitter. Criteria: Invitae Variant Classification Sherloc (09022015). Collection method: clinical testing. Allele origin: germline.

Ambry Genetics
Classification: Uncertain significance. Last evaluated: 2025-08-29. Review status: criteria provided, single submitter. Criteria: Ambry Variant Classification Scheme 2023. Collection method: clinical testing. Allele origin: germline.

Revvity Omics, Revvity
Classification: Likely benign for Emery-Dreifuss muscular dystrophy 5, autosomal dominant. Last evaluated: 2023-12-26. Review status: criteria provided, single submitter. Criteria: ACMG Guidelines, 2015. Collection method: clinical testing. Allele origin: germline.

Genetic Services Laboratory, University of Chicago
Classification: Uncertain significance. Last evaluated: 2014-10-02. Review status: criteria provided, single submitter. Criteria: ACMG Guidelines, 2015. Collection method: clinical testing. Allele origin: germline.